The following is an entry in ClinVar:

ClinVar aggregate classification (germline): Uncertain significance (1 of 4 stars; one submission).

Conditions:
Growth hormone insensitivity with immune dysregulation 1, autosomal recessive. Also called: GROWTH HORMONE INSENSITIVITY SYNDROME WITH IMMUNE DYSREGULATION 1, AUTOSOMAL RECESSIVE; GROWTH HORMONE INSENSITIVITY DUE TO POSTRECEPTOR DEFECT; LARON SYNDROME DUE TO POSTRECEPTOR DEFECT; Laron syndrome with immunodeficiency. Identifiers: Orphanet 220465, MedGen C5435698, MONDO:0100211, OMIM 245590.

Allele frequency attached by ClinVar (database versions not stated): gnomAD exomes 0.00001 and 0.00003; TOPMed 0.00001; ExAC 0.00003.

Submission:

Labcorp Genetics (formerly Invitae), Labcorp
Classification: Uncertain significance for Growth hormone insensitivity with immune dysregulation 1, autosomal recessive. Last evaluated: 2021-12-23. Review status: criteria provided, single submitter. Criteria: Invitae Variant Classification Sherloc (09022015). Collection method: clinical testing. Allele origin: germline.
Comment: This sequence change replaces arginine, which is basic and polar, with cysteine, which is neutral and slightly polar, at codon 110 of the STAT5B protein (p.Arg110Cys). This variant is present in population databases (rs775502922, gnomAD 0.004%). This variant has not been reported in the literature in individuals affected with STAT5B-related conditions. Algorithms developed to predict the effect of missense changes on protein structure and function are either unavailable or do not agree on the potential impact of this missense change (SIFT: "Deleterious"; PolyPhen-2: "Benign"; Align-GVGD: "Class C0"). In summary, the available evidence is currently insufficient to determine the role of this variant in disease. Therefore, it has been classified as a Variant of Uncertain Significance.

NM_012448.4(STAT5B):c.328C>T (p.Arg110Cys)

Gene: STAT5B (signal transducer and activator of transcription 5B; minus strand). Cytogenetic location: 17q21.2.
Variant type: single nucleotide variant.
Coding change: c.328C>T on transcript NM_012448.4 (MANE Select); coding-DNA position 328, C replaced by T.
Protein change: p.Arg110Cys; replaces arginine 110 with cysteine.
Molecular consequence: missense variant.
Genome position (GRCh38, 1-based): chr17:42,224,826, G>A on the plus strand (C>T on the coding strand, the complement: STAT5B is on the minus strand). VCF-style: chr17-42224826-G-A. GRCh37 (hg19) VCF-style: chr17-40376844-G-A.
Other names: short protein forms R110C.
Identifiers: ClinVar variation 1373793 (VCV001373793.6), dbSNP rs775502922, ClinGen allele CA8574323.